The following is an entry in ClinVar:

ClinVar aggregate classification (germline): Uncertain significance. Review status: criteria provided, multiple submitters, no conflicts (2 of 4 stars). 2 submissions from 2 submitters: Uncertain significance (2). Last evaluated 2024-04-22.

Allele frequency attached by ClinVar (database versions not stated): gnomAD 0.00008 and 0.00007; TOPMed 0.00014; ESP Exome Variant Server 0.00025; gnomAD exomes 0.00001 and 0.00003; ExAC 0.00003.
gnomAD v4.1: 19 of 1,608,190 alleles (0.0012%); highest among the groups gnomAD compares: African/African-American, 0.025%; no homozygotes.

Submissions (2):

Labcorp Genetics (formerly Invitae), Labcorp
Classification: Uncertain significance. Last evaluated: 2024-04-22. Review status: criteria provided, single submitter. Criteria: Invitae Variant Classification Sherloc (09022015). Collection method: clinical testing. Allele origin: germline.
Comment: This sequence change replaces aspartic acid, which is acidic and polar, with glutamic acid, which is acidic and polar, at codon 841 of the RTTN protein (p.Asp841Glu). This variant is present in population databases (rs371829976, gnomAD 0.04%). This variant has not been reported in the literature in individuals affected with RTTN-related conditions. ClinVar contains an entry for this variant (Variation ID: 1309131). Advanced modeling of protein sequence and biophysical properties (such as structural, functional, and spatial information, amino acid conservation, physicochemical variation, residue mobility, and thermodynamic stability) performed at Invitae indicates that this missense variant is not expected to disrupt RTTN protein function with a negative predictive value of 80%. In summary, the available evidence is currently insufficient to determine the role of this variant in disease. Therefore, it has been classified as a Variant of Uncertain Significance.

GeneDx
Classification: Uncertain significance. Last evaluated: 2019-10-16. Review status: criteria provided, single submitter. Criteria: GeneDx Variant Classification Process June 2021. Collection method: clinical testing. Allele origin: germline. Affected: yes.
Comment: In silico analysis, which includes protein predictors and evolutionary conservation, supports that this variant does not alter protein structure/function; Has not been previously published as pathogenic or benign to our knowledge

NM_173630.4(RTTN):c.2523T>A (p.Asp841Glu)

Gene: RTTN (rotatin; minus strand). Cytogenetic location: 18q22.2.
Variant type: single nucleotide variant.
Coding change: c.2523T>A on transcript NM_173630.4 (MANE Select); coding-DNA position 2523, T replaced by A.
Protein change: p.Asp841Glu; replaces aspartic acid 841 with glutamic acid.
Molecular consequence: missense variant. On other transcripts: 5 prime UTR variant (1).
Genome position (GRCh38, 1-based): chr18:70,142,346, A>T on the plus strand (T>A on the coding strand, the complement: RTTN is on the minus strand). VCF-style: chr18-70142346-A-T. GRCh37 (hg19) VCF-style: chr18-67809582-A-T.
Other names: c.-125T>A (NM_001318520.2); short protein forms D841E.
Identifiers: ClinVar variation 1309131 (VCV001309131.5), dbSNP rs371829976, ClinGen allele CA8995841.